The following is an entry in ClinVar:

ClinVar aggregate classification (germline): Conflicting classifications of pathogenicity. Review status: criteria provided, conflicting classifications (1 of 4 stars). 2 submissions from 2 submitters: Uncertain significance (1); Likely benign (1). Last evaluated 2025-07-02.

Conditions:
Hereditary cancer-predisposing syndrome. Also called: Hereditary neoplastic syndrome; Neoplastic Syndromes, Hereditary; Hereditary Cancer Syndrome; Tumor predisposition. Identifiers: Orphanet 140162, MedGen C0027672, MeSH D009386, MONDO:0015356.
Retinoblastoma (RB1). Also called: RETINOBLASTOMA, SOMATIC. Identifiers: Orphanet 790, MedGen C0035335, MeSH D012175, MONDO:0008380, OMIM 180200, HP:0009919. Disease mechanism: loss of function. Inheritance: Both sporadic and heritable forms are tested..

gnomAD v4.1: 1 of 1,614,078 alleles (0.000062%); highest among the groups gnomAD compares: African/African-American, 0.0013%; no homozygotes.

Submissions (2):

Ambry Genetics
Classification: Uncertain significance for Hereditary cancer-predisposing syndrome. Last evaluated: 2025-07-02. Review status: criteria provided, single submitter. Criteria: Ambry Variant Classification Scheme 2023. Collection method: clinical testing. Allele origin: germline.
Comment: The p.Q631K variant (also known as c.1891C>A), located in coding exon 19 of the RB1 gene, results from a C to A substitution at nucleotide position 1891. The glutamine at codon 631 is replaced by lysine, an amino acid with similar properties. This amino acid position is highly conserved in available vertebrate species. In addition, the in silico prediction for this alteration is inconclusive. Based on the available evidence, the clinical significance of this variant remains unclear.

Labcorp Genetics (formerly Invitae), Labcorp
Classification: Likely benign for Retinoblastoma. Last evaluated: 2024-08-21. Review status: criteria provided, single submitter. Criteria: Invitae Variant Classification Sherloc (09022015). Collection method: clinical testing. Allele origin: germline.

NM_000321.3(RB1):c.1891C>A (p.Gln631Lys)

Gene: RB1 (RB transcriptional corepressor 1; plus strand). Cytogenetic location: 13q14.2.
Variant type: single nucleotide variant.
Coding change: c.1891C>A on transcript NM_000321.3 (MANE Select); coding-DNA position 1891, C replaced by A.
Protein change: p.Gln631Lys; replaces glutamine 631 with lysine.
Molecular consequence: missense variant.
Genome position (GRCh38, 1-based): chr13:48,456,280, C>A. VCF-style: chr13-48456280-C-A. GRCh37 (hg19) VCF-style: chr13-49030416-C-A.
Other names: c.1891C>A, p.Gln631Lys (NM_001407165.1); short protein forms Q631K.
Identifiers: ClinVar variation 3715065 (VCV003715065.3).